The following is an entry in ClinVar:

NM_001378615.1(CC2D2A):c.4435C>T (p.Gln1479Ter)

Genes: CC2D2A (coiled-coil and C2 domain containing 2A; plus strand), FBXL5 (F-box and leucine rich repeat protein 5; minus strand). Cytogenetic location: 4p15.32.
Variant type: single nucleotide variant.
Coding change: c.4435C>T on transcript NM_001378615.1 (MANE Select); coding-DNA position 4435, C replaced by T.
Protein change: p.Gln1479Ter; replaces glutamine 1479 with a stop codon.
Molecular consequence: nonsense.
Genome position (GRCh38, 1-based): chr4:15,596,205, C>T. VCF-style: chr4-15596205-C-T. GRCh37 (hg19) VCF-style: chr4-15597828-C-T.
Other names: c.4435C>T, p.Gln1479Ter (NM_001080522.2); c.4288C>T, p.Gln1430Ter (NM_001378617.1); short protein forms Q1430*, Q1479*.
Identifiers: ClinVar variation 5014264 (VCV005014264.1).

ClinVar aggregate classification (germline): Pathogenic (1 of 4 stars; one submission).

Conditions:
Joubert syndrome and related disorders. Identifiers: Orphanet 140874, MedGen C5679612, MONDO:0015369.

Submission:

Myriad Genetics, Inc.
Classification: Pathogenic for Joubert syndrome and related disorders. Last evaluated: 2025-03-26. Review status: criteria provided, single submitter. Criteria: Myriad Autosomal Dominant, Autosomal Recessive and X-Linked Classification Criteria (2023). Collection method: clinical testing. Allele origin: unknown.
Comment: NM_001080522.2(CC2D2A):c.4435C>T(Q1479*) is expected to be pathogenic in the context of CC2D2A-related disorders. This variant is predicted to lead to an abnormal or absent protein product due to the creation of a premature termination codon in CC2D2A, a gene where loss-of-function variants are known to be pathogenic. Please note: this variant was assessed in the context of healthy population screening.